The following is an entry in ClinVar:

ClinVar aggregate classification (germline): Conflicting classifications of pathogenicity. Review status: criteria provided, conflicting classifications (1 of 4 stars). 3 submissions from 3 submitters: Uncertain significance (2); Likely benign (1). Last evaluated 2025-09-09.

Conditions:
Van Maldergem syndrome 2 (VMLDS2). Identifiers: Orphanet 314679, MedGen C3809875, MONDO:0014242, OMIM 615546.
Hennekam lymphangiectasia-lymphedema syndrome 2 (HKLLS2). Identifiers: Orphanet 2136, MedGen C4014939, MONDO:0014454, OMIM 616006.

Allele frequency attached by ClinVar (database versions not stated): gnomAD exomes 0.00007 and 0.00015; ExAC 0.00008; TOPMed 0.00008; gnomAD 0.00012 and 0.00013.
gnomAD v4.1: 230 of 1,613,956 alleles (0.014%); highest among the groups gnomAD compares: Non-Finnish European, 0.018%; no homozygotes.

Submissions (3):

Labcorp Genetics (formerly Invitae), Labcorp
Classification: Likely benign. Last evaluated: 2025-09-09. Review status: criteria provided, single submitter. Criteria: Invitae Variant Classification Sherloc (09022015). Collection method: clinical testing. Allele origin: germline.

GeneDx
Classification: Uncertain significance. Last evaluated: 2024-10-30. Review status: criteria provided, single submitter. Criteria: GeneDx Variant Classification Process June 2021. Collection method: clinical testing. Allele origin: germline. Affected: yes.
Comment: In silico analysis supports that this missense variant has a deleterious effect on protein structure/function; Has not been previously published as pathogenic or benign to our knowledge

Fulgent Genetics
Classification: Uncertain significance for Van Maldergem syndrome 2; Hennekam lymphangiectasia-lymphedema syndrome 2. Last evaluated: 2024-02-27. Review status: criteria provided, single submitter. Criteria: ACMG Guidelines, 2015. Collection method: clinical testing. Allele origin: germline.

NM_001291303.3(FAT4):c.2897T>C (p.Ile966Thr)

Gene: FAT4 (FAT atypical cadherin 4; plus strand). Cytogenetic location: 4q28.1.
Variant type: single nucleotide variant.
Coding change: c.2897T>C on transcript NM_001291303.3 (MANE Select); coding-DNA position 2897, T replaced by C.
Protein change: p.Ile966Thr; replaces isoleucine 966 with threonine.
Molecular consequence: missense variant.
Genome position (GRCh38, 1-based): chr4:125,319,308, T>C. VCF-style: chr4-125319308-T-C. GRCh37 (hg19) VCF-style: chr4-126240463-T-C.
Other names: c.2897T>C, p.Ile966Thr (NM_001291285.3, NM_024582.6); c.2897T>C (NM_024582.5, NM_024582.4); short protein forms I966T.
Identifiers: ClinVar variation 1596703 (VCV001596703.10), dbSNP rs200952904, ClinGen allele CA3072221.